The following is an entry in ClinVar:

NM_001164664.2(MAST4):c.6631_6633del (p.Ser2211del)

Gene: MAST4 (microtubule associated serine/threonine kinase family member 4; plus strand). Cytogenetic location: 5q12.3.
Variant type: Deletion.
Coding change: c.6631_6633del on transcript NM_001164664.2 (MANE Select); coding-DNA positions 6631 to 6633, 3 bases deleted (TCC; older notation c.6631_6633delTCC).
Protein change: p.Ser2211del; deletes serine 2211.
Molecular consequence: inframe deletion.
Genome position (GRCh38, 1-based): chr5:67,165,810-67,165,812, TCC deleted. VCF-style (leftmost placement, unchanged base first): chr5-67165809-GTCC-G. GRCh37 (hg19) VCF-style: chr5-66461637-GTCC-G.
Other names: c.6013_6015del, p.Ser2005del (NM_001290226.2); c.5848_5850del, p.Ser1950del (NM_001290227.2, NM_001393527.1); c.6049_6051del, p.Ser2017del (NM_001297651.2); c.6640_6642del, p.Ser2214del (NM_001393524.1); c.6430_6432del, p.Ser2144del (NM_001393525.1); c.5863_5865del, p.Ser1955del (NM_001393526.1); c.5827_5829del, p.Ser1943del (NM_001393528.1); c.6064_6066del, p.Ser2022del (NM_015183.3); short protein forms S1943del, S1950del, S1955del, S2005del, S2017del, S2022del, S2144del, S2211del.
Identifiers: ClinVar variation 4853936 (VCV004853936.1).
Genomic context (GRCh38, chr5:67,165,809, plus strand): 5'-CAGCCACAAGCCCCGGCCTGGCCCTGACCCGGGCCCTCCAAAGACTAAGCACCCCGACCG[GTCC>G]CTCTCCTCTCAGAAACCAAGTGTCGGGGCCACAAAGGGCAAAGAGCCTGCCACTCAGTCC-3'

ClinVar aggregate classification (germline): Uncertain significance (1 of 4 stars; one submission).

Conditions:
MAST4-related disorder.

Submission:

3billion
Classification: Uncertain significance for MAST4-related disorder. Last evaluated: 2025-07-08. Review status: criteria provided, single submitter. Criteria: ACMG Guidelines, 2015. Collection method: clinical testing. Allele origin: germline. Affected: yes.
Comment: The variant is not observed in the gnomAD v4.1.0 dataset. Predicted Consequence/Location: Inframe deletion located in a nonrepeat region: predicted to change the length of the protein and disrupt normal protein function. Therefore, this variant is classified as VUS according to the recommendation of ACMG/AMP guideline.